The following is an entry in ClinVar:

NM_032638.5(GATA2):c.1102C>G (p.Pro368Ala)

Gene: GATA2 (GATA binding protein 2; minus strand). Cytogenetic location: 3q21.3.
Variant type: single nucleotide variant.
Coding change: c.1102C>G on transcript NM_032638.5 (MANE Select); coding-DNA position 1102, C replaced by G.
Protein change: p.Pro368Ala; replaces proline 368 with alanine.
Molecular consequence: missense variant.
Genome position (GRCh38, 1-based): chr3:128,481,860, G>C on the plus strand (C>G on the coding strand, the complement: GATA2 is on the minus strand). VCF-style: chr3-128481860-G-C. GRCh37 (hg19) VCF-style: chr3-128200703-G-C.
Other names: c.1102C>G, p.Pro368Ala (NM_001145661.2); c.1060C>G, p.Pro354Ala (NM_001145662.1); short protein forms P354A, P368A.
Identifiers: ClinVar variation 953221 (VCV000953221.9), dbSNP rs2068633510, ClinGen allele CA354413537.

ClinVar aggregate classification (germline): Uncertain significance (1 of 4 stars; one submission).

Conditions:
Monocytopenia with susceptibility to infections. Also called: MONOCYTOPENIA AND MYCOBACTERIAL INFECTION SYNDROME; MONOCYTOPENIA WITH SUSCEPTIBILITY TO MYCOBACTERIAL, FUNGAL, AND PAPILLOMAVIRUS INFECTIONS AND MYELODYSPLASIA; COMBINED IMMUNODEFICIENCY WITH SUSCEPTIBILITY TO MYCOBACTERIAL, VIRAL, AND FUNGAL INFECTIONS; Dendritic cell, monocyte, B lymphocyte, and natural killer lymphocyte deficiency; IMMUNODEFICIENCY 21; GATA2 DEFICIENCY. Identifiers: Orphanet 228423, MedGen C3280030, MONDO:0013607, OMIM 614172.
Deafness-lymphedema-leukemia syndrome. Also called: Lymphedema, primary, with myelodysplasia; Emberger syndrome. Identifiers: Orphanet 3226, MedGen C3279664, MONDO:0013540, OMIM 614038.

Allele frequency attached by ClinVar (database versions not stated): gnomAD exomes below 0.00001.
gnomAD v4.1: 3 of 1,614,110 alleles (0.00019%); highest among the groups gnomAD compares: Middle Eastern, 0.033%; no homozygotes.

Submission:

Labcorp Genetics (formerly Invitae), Labcorp
Classification: Uncertain significance for Monocytopenia with susceptibility to infections; Deafness-lymphedema-leukemia syndrome. Last evaluated: 2023-10-27. Review status: criteria provided, single submitter. Criteria: Invitae Variant Classification Sherloc (09022015). Collection method: clinical testing. Allele origin: germline.
Comment: This sequence change replaces proline, which is neutral and non-polar, with alanine, which is neutral and non-polar, at codon 368 of the GATA2 protein (p.Pro368Ala). This variant is not present in population databases (gnomAD no frequency). This variant has not been reported in the literature in individuals affected with GATA2-related conditions. ClinVar contains an entry for this variant (Variation ID: 953221). Advanced modeling of protein sequence and biophysical properties (such as structural, functional, and spatial information, amino acid conservation, physicochemical variation, residue mobility, and thermodynamic stability) has been performed at Invitae for this missense variant, however the output from this modeling did not meet the statistical confidence thresholds required to predict the impact of this variant on GATA2 protein function. In summary, the available evidence is currently insufficient to determine the role of this variant in disease. Therefore, it has been classified as a Variant of Uncertain Significance.